The following is an entry in ClinVar:

ClinVar aggregate classification (germline): Uncertain significance. Review status: criteria provided, single submitter (1 of 4 stars). 2 submissions from 2 submitters: Uncertain significance (1). 1 of the submissions does not count toward it. Last evaluated 2022-07-08.

Conditions:
SDK2-related disorder. Also called: SDK2-related condition.

Allele frequency attached by ClinVar (database versions not stated): gnomAD 0.00013; TOPMed 0.00021.
gnomAD v4.1: 298 of 1,612,762 alleles (0.018%); highest among the groups gnomAD compares: Non-Finnish European, 0.0098%; 1 homozygote.

Submissions (2):

Ambry Genetics
Classification: Uncertain significance. Last evaluated: 2022-07-08. Review status: criteria provided, single submitter. Criteria: Ambry Variant Classification Scheme 2023. Collection method: clinical testing. Allele origin: germline.

PreventionGenetics, part of Exact Sciences
Classification: Likely benign for SDK2-related condition. Last evaluated: 2019-10-28. Review status: no assertion criteria provided. Collection method: clinical testing. Allele origin: germline. Not counted in ClinVar's aggregate classification.
Comment: This variant is classified as likely benign based on ACMG/AMP sequence variant interpretation guidelines (Richards et al. 2015 PMID: 25741868, with internal and published modifications).

NM_001144952.2(SDK2):c.1369T>C (p.Ser457Pro)

Gene: SDK2 (sidekick cell adhesion molecule 2; minus strand). Cytogenetic location: 17q25.1.
Variant type: single nucleotide variant.
Coding change: c.1369T>C on transcript NM_001144952.2 (MANE Select); coding-DNA position 1369, T replaced by C.
Protein change: p.Ser457Pro; replaces serine 457 with proline.
Molecular consequence: missense variant.
Genome position (GRCh38, 1-based): chr17:73,431,613, A>G on the plus strand (T>C on the coding strand, the complement: SDK2 is on the minus strand). VCF-style: chr17-73431613-A-G. GRCh37 (hg19) VCF-style: chr17-71427752-A-G.
Other names: short protein forms S457P.
Identifiers: ClinVar variation 2205211 (VCV002205211.4), dbSNP rs200185560, ClinGen allele CA8743866.